The following is an entry in ClinVar:

ClinVar aggregate classification (germline): Conflicting classifications of pathogenicity. Review status: criteria provided, conflicting classifications (1 of 4 stars). 4 submissions from 4 submitters: Uncertain significance (1); Benign (1); Likely benign (2). Last evaluated 2026-02-03.

Conditions:
Early-infantile DEE. Also called: Ohtahara syndrome; Early infantile epileptic encephalopathy; Early infantile epileptic encephalopathy with suppression bursts. Identifiers: Orphanet 1934, MedGen C0393706, MONDO:0800491.

Allele frequency attached by ClinVar (database versions not stated): TOPMed below 0.00001; gnomAD 0.00001; gnomAD exomes 0.00003; ExAC 0.00002.
gnomAD v4.1: 43 of 1,613,718 alleles (0.0027%); highest among the groups gnomAD compares: Non-Finnish European, 0.0033%; no homozygotes.

Submissions (4):

Labcorp Genetics (formerly Invitae), Labcorp
Classification: Likely benign for Early-infantile DEE. Last evaluated: 2026-02-03. Review status: criteria provided, single submitter. Criteria: Invitae Variant Classification Sherloc (09022015). Collection method: clinical testing. Allele origin: germline.

Women's Health and Genetics/Laboratory Corporation of America, LabCorp
Classification: Likely benign. Last evaluated: 2025-11-13. Review status: criteria provided, single submitter. Criteria: LabCorp Variant Classification Summary - May 2015. Collection method: clinical testing. Allele origin: germline.
Comment: Variant summary: SCN1A c.5346C>T alters a conserved nucleotide resulting in a synonymous change. Consensus agreement among computation tools predict no significant impact on normal splicing. However, these predictions have yet to be confirmed by functional studies. The variant allele was found at a frequency of 2.8e-05 in 251138 control chromosomes. The available data on variant occurrences in the general population are insufficient to allow any conclusion about variant significance. To our knowledge, no occurrence of c.5346C>T in individuals affected with SCN1A-related conditions and no experimental evidence demonstrating its impact on protein function have been reported. ClinVar contains an entry for this variant (Variation ID: 206731). Based on the evidence outlined above, the variant was classified as likely benign.

GeneDx
Classification: Benign. Last evaluated: 2015-01-14. Review status: criteria provided, single submitter. Criteria: GeneDx Variant Classification (06012015). Collection method: clinical testing. Allele origin: germline. Affected: yes.
Comment: This variant is considered likely benign or benign based on one or more of the following criteria: it is a conservative change, it occurs at a poorly conserved position in the protein, it is predicted to be benign by multiple in silico algorithms, and/or has population frequency not consistent with disease.

Genetic Services Laboratory, University of Chicago
Classification: Uncertain significance. Last evaluated: 2014-08-28. Review status: criteria provided, single submitter. Criteria: ACMG Guidelines, 2015. Collection method: clinical testing. Allele origin: germline.

NM_001165963.4(SCN1A):c.5346C>T (p.Ile1782=)

Genes: SCN1A (sodium voltage-gated channel alpha subunit 1; minus strand), LOC102724058 (uncharacterized LOC102724058; plus strand). Cytogenetic location: 2q24.3.
Variant type: single nucleotide variant.
Coding change: c.5346C>T on transcript NM_001165963.4 (MANE Select); coding-DNA position 5346, C replaced by T.
Protein change: p.Ile1782=; no amino-acid change (isoleucine 1782 retained).
Molecular consequence: synonymous variant. On other transcripts: non-coding transcript variant (1).
Genome position (GRCh38, 1-based): chr2:165,991,929, G>A on the plus strand (C>T on the coding strand, the complement: SCN1A is on the minus strand). VCF-style: chr2-165991929-G-A. GRCh37 (hg19) VCF-style: chr2-166848439-G-A.
Other names: p.I1782I:ATC>ATT; c.5262C>T, p.Ile1754= (NM_001165964.3, NM_001353957.2, NM_001353958.2); c.5346C>T, p.Ile1782= (NM_001202435.3, NM_001353948.2); c.5313C>T, p.Ile1771= (NM_001353949.2, NM_001353950.2, NM_001353951.2 and 2 more transcripts); c.5310C>T, p.Ile1770= (NM_001353954.2, NM_001353955.2); c.5259C>T, p.Ile1753= (NM_001353960.2); c.2904C>T, p.Ile968= (NM_001353961.2).
Identifiers: ClinVar variation 206731 (VCV000206731.16), dbSNP rs121918763, ClinGen allele CA317104.
Genomic context (GRCh38, chr2:165,991,929, plus strand): 5'-CTCACTCAGAGGCTCTGCACTTTCTTCAGTAGCAACACTGAAGTTCTCCAGGATGACCGC[G>A]ATGTACATGTTCACCACAACCAGGAAGGATATGATGATGTAACTGACAAAAAAGAAAATT-3'
Protein context (NP_001159435.1, residues 1772-1792): ISFLVVVNMY[Ile1782=]AVILENFSVA